The following is an entry in ClinVar:

NM_012418.4(FSCN2):c.1106-9C>T

Gene: FSCN2 (fascin actin-bundling protein 2, retinal; plus strand). Cytogenetic location: 17q25.3.
Variant type: single nucleotide variant.
Coding change: c.1106-9C>T on transcript NM_012418.4 (MANE Select); 9 bases into the intron before coding-DNA position 1106, C replaced by T.
Molecular consequence: intron variant. On other transcripts: missense variant (1).
Genome position (GRCh38, 1-based): chr17:81,536,613, C>T. VCF-style: chr17-81536613-C-T. GRCh37 (hg19) VCF-style: chr17-79503639-C-T.
Other names: c.1169C>T, p.Ser390Phe (NM_001077182.3); short protein forms S390F.
Identifiers: ClinVar variation 956345 (VCV000956345.12), dbSNP rs1284263379, ClinGen allele CA401477577.

ClinVar aggregate classification (germline): Uncertain significance. Review status: criteria provided, multiple submitters, no conflicts (2 of 4 stars). 2 submissions from 2 submitters: Uncertain significance (2). Last evaluated 2025-03-17.

Allele frequency attached by ClinVar (database versions not stated): gnomAD 0.00001; TOPMed 0.00002.
gnomAD v4.1: 1 of 1,607,776 alleles (0.000062%); highest among the groups gnomAD compares: Non-Finnish European, 0.000085%; no homozygotes.

Submissions (2):

Labcorp Genetics (formerly Invitae), Labcorp
Classification: Uncertain significance. Last evaluated: 2025-03-17. Review status: criteria provided, single submitter. Criteria: Invitae Variant Classification Sherloc (09022015). Collection method: clinical testing. Allele origin: germline.
Comment: This sequence change replaces serine, which is neutral and polar, with phenylalanine, which is neutral and non-polar, at codon 390 of the FSCN2 protein (p.Ser390Phe). This variant is not present in population databases (gnomAD no frequency). This variant has not been reported in the literature in individuals affected with FSCN2-related conditions. ClinVar contains an entry for this variant (Variation ID: 956345). An algorithm developed to predict the effect of missense changes on protein structure and function outputs the following: PolyPhen-2: "Benign". The phenylalanine amino acid residue is found in multiple mammalian species, which suggests that this missense change does not adversely affect protein function. In summary, the available evidence is currently insufficient to determine the role of this variant in disease. Therefore, it has been classified as a Variant of Uncertain Significance.

Ambry Genetics
Classification: Uncertain significance. Last evaluated: 2024-07-02. Review status: criteria provided, single submitter. Criteria: Ambry Variant Classification Scheme 2023. Collection method: clinical testing. Allele origin: germline.